The following is an entry in ClinVar:

ClinVar aggregate classification (germline): Uncertain significance (1 of 4 stars; one submission).

Conditions:
Gastrointestinal stromal tumor. Also called: Gastrointestinal stromal tumor, somatic; Gastrointestinal stroma tumor. Identifiers: Orphanet 44890, MedGen C0238198, MeSH D046152, MONDO:0011719, OMIM 606764, HP:0100723.

gnomAD v4.1: 1 of 1,614,102 alleles (0.000062%); highest among the groups gnomAD compares: Non-Finnish European, 0.000085%; no homozygotes.

Submission:

Labcorp Genetics (formerly Invitae), Labcorp
Classification: Uncertain significance for Gastrointestinal stromal tumor. Last evaluated: 2024-09-29. Review status: criteria provided, single submitter. Criteria: Invitae Variant Classification Sherloc (09022015). Collection method: clinical testing. Allele origin: germline.
Comment: This sequence change replaces aspartic acid, which is acidic and polar, with glutamic acid, which is acidic and polar, at codon 1026 of the PDGFRA protein (p.Asp1026Glu). This variant is not present in population databases (gnomAD no frequency). This variant has not been reported in the literature in individuals affected with PDGFRA-related conditions. Invitae Evidence Modeling of protein sequence and biophysical properties (such as structural, functional, and spatial information, amino acid conservation, physicochemical variation, residue mobility, and thermodynamic stability) indicates that this missense variant is not expected to disrupt PDGFRA protein function with a negative predictive value of 80%. In summary, the available evidence is currently insufficient to determine the role of this variant in disease. Therefore, it has been classified as a Variant of Uncertain Significance.

NM_006206.6(PDGFRA):c.3078C>A (p.Asp1026Glu)

Gene: PDGFRA (platelet derived growth factor receptor alpha; plus strand). Cytogenetic location: 4q12.
Variant type: single nucleotide variant.
Coding change: c.3078C>A on transcript NM_006206.6 (MANE Select); coding-DNA position 3078, C replaced by A.
Protein change: p.Asp1026Glu; replaces aspartic acid 1026 with glutamic acid.
Molecular consequence: missense variant.
Genome position (GRCh38, 1-based): chr4:54,290,510, C>A. VCF-style: chr4-54290510-C-A. GRCh37 (hg19) VCF-style: chr4-55156677-C-A.
Other names: c.3153C>A, p.Asp1051Glu (NM_001347828.2); c.3078C>A, p.Asp1026Glu (NM_001347829.2); c.3117C>A, p.Asp1039Glu (NM_001347830.2); short protein forms D1026E, D1051E, D1039E.
Identifiers: ClinVar variation 3665682 (VCV003665682.2).